The following is an entry in ClinVar:

ClinVar aggregate classification (germline): Uncertain significance. Review status: criteria provided, multiple submitters, no conflicts (2 of 4 stars). 2 submissions from 2 submitters: Uncertain significance (2). Last evaluated 2025-12-08.

Conditions:
Osteogenesis imperfecta type 8 (OI8). Identifiers: MedGen C1970458, MONDO:0012581, OMIM 610915.
Inborn genetic diseases. Identifiers: MedGen C0950123, MeSH D030342.

Allele frequency attached by ClinVar (database versions not stated): gnomAD 0.00001; gnomAD exomes 0.00001; TOPMed 0.00001.
gnomAD v4.1: 9 of 1,598,838 alleles (0.00056%); highest among the groups gnomAD compares: Admixed American, 0.0017%; no homozygotes.

Submissions (2):

Ambry Genetics
Classification: Uncertain significance for Inborn genetic diseases. Last evaluated: 2025-12-08. Review status: criteria provided, single submitter. Criteria: Ambry Variant Classification Scheme 2023. Collection method: clinical testing. Allele origin: germline.

Labcorp Genetics (formerly Invitae), Labcorp
Classification: Uncertain significance for Osteogenesis imperfecta type 8. Last evaluated: 2021-09-01. Review status: criteria provided, single submitter. Criteria: Invitae Variant Classification Sherloc (09022015). Collection method: clinical testing. Allele origin: germline.
Comment: This sequence change replaces arginine with tryptophan at codon 65 of the P3H1 protein (p.Arg65Trp). The arginine residue is moderately conserved and there is a moderate physicochemical difference between arginine and tryptophan. This variant is not present in population databases (ExAC no frequency). This variant has not been reported in the literature in individuals affected with P3H1-related conditions. Algorithms developed to predict the effect of missense changes on protein structure and function are either unavailable or do not agree on the potential impact of this missense change (SIFT: "Deleterious"; PolyPhen-2: "Possibly Damaging"; Align-GVGD: "Class C0"). In summary, the available evidence is currently insufficient to determine the role of this variant in disease. Therefore, it has been classified as a Variant of Uncertain Significance.

NM_022356.4(P3H1):c.193C>T (p.Arg65Trp)

Gene: P3H1 (prolyl 3-hydroxylase 1; minus strand). Cytogenetic location: 1p34.2.
Variant type: single nucleotide variant.
Coding change: c.193C>T on transcript NM_022356.4 (MANE Select); coding-DNA position 193, C replaced by T.
Protein change: p.Arg65Trp; replaces arginine 65 with tryptophan.
Molecular consequence: missense variant.
Genome position (GRCh38, 1-based): chr1:42,766,779, G>A on the plus strand (C>T on the coding strand, the complement: P3H1 is on the minus strand). VCF-style: chr1-42766779-G-A. GRCh37 (hg19) VCF-style: chr1-43232450-G-A.
Other names: c.193C>T, p.Arg65Trp (NM_001146289.2, NM_001243246.2); short protein forms R65W.
Identifiers: ClinVar variation 648432 (VCV000648432.7), dbSNP rs1478435101, ClinGen allele CA339963940.
Genomic context (GRCh38, chr1:42,766,779, plus strand): 5'-ACGGGAAGTCGGCGGCACACTGGGTGCGGCAGCGCAGGCGAAGGGCGCGGAGGGCTGCCC[G>A]GGAGCGCAGCGCCCGTTCCATGCTCAGGACCACCCCGGGCCAGTCCCCGCGCGCGTAGGC-3'
Protein context (NP_071751.3, residues 55-75): VLSMERALRS[Arg65Trp]AALRALRLRC